The following is an entry in ClinVar:

NM_173477.5(USH1G):c.1330AGG[3] (p.Arg447_Gln448insArg)

Gene: USH1G (USH1 protein network component sans; minus strand). Cytogenetic location: 17q25.1.
Variant type: Microsatellite.
Coding change: c.1330AGG[3] on transcript NM_173477.5 (MANE Select); three copies in a row of the 3-base unit AGG starting at c.1330; the reference has two copies in a row; one copy, 3 bases duplicated.
Protein change: p.Arg447_Gln448insArg.
Molecular consequence: inframe insertion.
Genome position (GRCh38, 1-based): chr17:74,919,501-74,919,503, CCT duplicated on the plus strand (AGG on the coding strand, the reverse complement: USH1G is on the minus strand); duplicating any 3 consecutive bases within chr17:74,919,501-74,919,507 gives the same sequence; the position shown is the placement nearest the transcript's 3' end. VCF-style (leftmost placement, unchanged base first): chr17-74919500-G-GCCT. GRCh37 (hg19) VCF-style: chr17-72915595-G-GCCT.
Other names: c.1021AGG[3], p.Arg344_Gln345insArg (NM_001282489.3).
Identifiers: ClinVar variation 3615815 (VCV003615815.2).
Genomic context (GRCh38, chr17:74,919,500, plus strand): 5'-GGCTGGACACTCACAGCTCTGTGTCCTCCAGGGCCGGCGGGCGCTCCATCGCCTGCCGCC[G>GCCT]CCTCCTCACGGCCCCCAAGATCTTCTTTCGGGGCCCCAGTGGGACGCTGATGCTGCGGAG-3'

ClinVar aggregate classification (germline): Uncertain significance (1 of 4 stars; one submission).

Submission:

Labcorp Genetics (formerly Invitae), Labcorp
Classification: Uncertain significance. Last evaluated: 2024-12-18. Review status: criteria provided, single submitter. Criteria: Invitae Variant Classification Sherloc (09022015). Collection method: clinical testing. Allele origin: germline.
Comment: This variant, c.1333_1335dup, results in the insertion of 1 amino acid(s) of the USH1G protein (p.Arg447dup), but otherwise preserves the integrity of the reading frame. This variant is present in population databases (rs755838297, gnomAD 0.0009%). This variant has not been reported in the literature in individuals affected with USH1G-related conditions. In summary, the available evidence is currently insufficient to determine the role of this variant in disease. Therefore, it has been classified as a Variant of Uncertain Significance.